The following is an entry in ClinVar:

NM_004415.4(DSP):c.4699C>T (p.Gln1567Ter)

Gene: DSP (desmoplakin; plus strand). Cytogenetic location: 6p24.3.
Variant type: single nucleotide variant.
Coding change: c.4699C>T on transcript NM_004415.4 (MANE Select); coding-DNA position 4699, C replaced by T.
Protein change: p.Gln1567Ter; replaces glutamine 1567 with a stop codon.
Molecular consequence: nonsense. On other transcripts: intron variant (2).
Genome position (GRCh38, 1-based): chr6:7,580,889, C>T. VCF-style: chr6-7580889-C-T. GRCh37 (hg19) VCF-style: chr6-7581122-C-T.
Other names: c.4699C>T (NM_004415.2); c.4050+649C>T (NM_001319034.2); c.3582+1117C>T (NM_001008844.3); short protein forms Q1567*.
Identifiers: ClinVar variation 1366414 (VCV001366414.7), dbSNP rs2113694704, ClinGen allele CA362686964.

ClinVar aggregate classification (germline): Pathogenic. Review status: criteria provided, multiple submitters, no conflicts (2 of 4 stars). 2 submissions from 2 submitters: Pathogenic (2). Last evaluated 2023-01-25.

Conditions:
Arrhythmogenic cardiomyopathy with wooly hair and keratoderma. Also called: Arrhythmogenic cardiomyopathy with woolly hair and keratoderma; Carvajal syndrome; PALMOPLANTAR KERATODERMA WITH LEFT VENTRICULAR CARDIOMYOPATHY AND WOOLLY HAIR; Dilated cardiomyopathy with woolly hair and keratoderma. Identifiers: Orphanet 65282, MedGen C1854063, MONDO:0011581, OMIM 605676.
Arrhythmogenic right ventricular dysplasia 8 (ARVD8). Also called: Arrhythmogenic Right Ventricular Dysplasia/Cardiomyopathy 8; ARRHYTHMOGENIC RIGHT VENTRICULAR DYSPLASIA, FAMILIAL, 8; ARRHYTHMOGENIC RIGHT VENTRICULAR CARDIOMYOPATHY 8. Identifiers: MedGen C1843896, MONDO:0011831, OMIM 607450.
Cardiovascular phenotype. Identifiers: MedGen CN230736.

Submissions (2):

Ambry Genetics
Classification: Pathogenic for Cardiovascular phenotype. Last evaluated: 2023-01-25. Review status: criteria provided, single submitter. Criteria: Ambry Variant Classification Scheme 2023. Collection method: clinical testing. Allele origin: germline.
Comment: The p.Q1567* pathogenic mutation (also known as c.4699C>T), located in coding exon 23 of the DSP gene, results from a C to T substitution at nucleotide position 4699. This changes the amino acid from a glutamine to a stop codon within coding exon 23. This variant is considered to be rare based on population cohorts in the Genome Aggregation Database (gnomAD). Alterations in DSP that result in haploinsufficiency or protein truncation have been reported in patients with arrhythmogenic right ventricular cardiomyopathy (ARVC) and dilated cardiomyopathy (DCM) (Fressart V et al. Europace. 2010;12(6):861-8; Elliott P et al. Circ Cardiovasc Genet. 2010;3(4):314-22; Quarta G et al. Circulation. 2011;123(23):2701-9; Garcia-Pavia P et al. Heart. 2011;97(21):1744-52; Rasmussen TB et al. Clin Genet. 2013;84(1):20-30; Pugh TJ et al. Genet Med. 2014;16(8):601-8). This alteration is expected to result in loss of function by premature protein truncation or nonsense-mediated mRNA decay. Based on the supporting evidence, this alteration is interpreted as a disease-causing mutation.

Labcorp Genetics (formerly Invitae), Labcorp
Classification: Pathogenic for Arrhythmogenic cardiomyopathy with wooly hair and keratoderma; Arrhythmogenic right ventricular dysplasia 8. Last evaluated: 2021-06-30. Review status: criteria provided, single submitter. Criteria: Invitae Variant Classification Sherloc (09022015). Collection method: clinical testing. Allele origin: germline.
Comment: This sequence change creates a premature translational stop signal (p.Gln1567*) in the DSP gene. It is expected to result in an absent or disrupted protein product. Loss-of-function variants in DSP are known to be pathogenic (PMID: 20716751, 24503780, 25227139). This variant is not present in population databases (ExAC no frequency). This variant has not been reported in the literature in individuals with DSP-related conditions. For these reasons, this variant has been classified as Pathogenic.

Literature cited by the submitters: PubMed 20716751 (cited by Labcorp Genetics (formerly Invitae), Labcorp); PubMed 24503780 (cited by Labcorp Genetics (formerly Invitae), Labcorp); PubMed 25227139 (cited by Labcorp Genetics (formerly Invitae), Labcorp).